The following is an entry in ClinVar:

ClinVar aggregate classification (germline): Uncertain significance (1 of 4 stars; one submission).

gnomAD v4.1: 1 of 1,614,140 alleles (0.000062%); highest among the groups gnomAD compares: Non-Finnish European, 0.000085%; no homozygotes.

Submission:

Labcorp Genetics (formerly Invitae), Labcorp
Classification: Uncertain significance. Last evaluated: 2022-03-28. Review status: criteria provided, single submitter. Criteria: Invitae Variant Classification Sherloc (09022015). Collection method: clinical testing. Allele origin: germline.
Comment: In summary, the available evidence is currently insufficient to determine the role of this variant in disease. Therefore, it has been classified as a Variant of Uncertain Significance. Algorithms developed to predict the effect of missense changes on protein structure and function (SIFT, PolyPhen-2, Align-GVGD) all suggest that this variant is likely to be tolerated. This variant has not been reported in the literature in individuals affected with ABCC6-related conditions. This variant is not present in population databases (gnomAD no frequency). This sequence change replaces proline, which is neutral and non-polar, with serine, which is neutral and polar, at codon 654 of the ABCC6 protein (p.Pro654Ser).

NM_001171.6(ABCC6):c.1960C>T (p.Pro654Ser)

Gene: ABCC6 (ATP binding cassette subfamily C member 6; minus strand). Cytogenetic location: 16p13.11.
Variant type: single nucleotide variant.
Coding change: c.1960C>T on transcript NM_001171.6 (MANE Select); coding-DNA position 1960, C replaced by T.
Protein change: p.Pro654Ser; replaces proline 654 with serine.
Molecular consequence: missense variant. On other transcripts: non-coding transcript variant (1).
Genome position (GRCh38, 1-based): chr16:16,182,914, G>A on the plus strand (C>T on the coding strand, the complement: ABCC6 is on the minus strand). VCF-style: chr16-16182914-G-A. GRCh37 (hg19) VCF-style: chr16-16276771-G-A.
Other names: c.1618C>T, p.Pro540Ser (NM_001351800.1); short protein forms P654S, P540S.
Identifiers: ClinVar variation 2091172 (VCV002091172.4), dbSNP rs2511002543, ClinGen allele CA394888811.